The following is an entry in ClinVar:

ClinVar aggregate classification (germline): Uncertain significance. Review status: criteria provided, multiple submitters, no conflicts (2 of 4 stars). 3 submissions from 3 submitters: Uncertain significance (2). 1 of the submissions does not count toward it. Last evaluated 2024-09-14.

Conditions:
RPGRIP1L-related disorder. Also called: RPGRIP1L-related disorders; RPGRIP1L-related condition. Identifiers: MedGen CN239416.
Meckel-Gruber syndrome. Also called: GRUBER SYNDROME; DYSENCEPHALIA SPLANCHNOCYSTICA; Dysencephalia splachnocystica. Identifiers: Orphanet 564, MedGen C0265215, MONDO:0018921.
Joubert syndrome. Also called: JOUBERT-BOLTSHAUSER SYNDROME; Familial aplasia of the vermis. Identifiers: Orphanet 475, MedGen C5979921, MONDO:0018772.

Allele frequency attached by ClinVar (database versions not stated): gnomAD exomes 0.00002; TOPMed 0.00002; gnomAD 0.00005; ExAC 0.00009.
gnomAD v4.1: 41 of 1,613,958 alleles (0.0025%); highest among the groups gnomAD compares: Non-Finnish European, 0.0034%; no homozygotes.

Submissions (3):

Blueprint Genetics
Classification: Uncertain significance. Last evaluated: 2024-09-14. Review status: criteria provided, single submitter. Criteria: ACMG Guidelines, 2015. Collection method: clinical testing. Allele origin: germline.

Labcorp Genetics (formerly Invitae), Labcorp
Classification: Uncertain significance for Joubert syndrome; Meckel-Gruber syndrome. Last evaluated: 2022-10-13. Review status: criteria provided, single submitter. Criteria: Invitae Variant Classification Sherloc (09022015). Collection method: clinical testing. Allele origin: germline.
Comment: This sequence change replaces serine, which is neutral and polar, with arginine, which is basic and polar, at codon 924 of the RPGRIP1L protein (p.Ser924Arg). This variant is present in population databases (rs753399833, gnomAD 0.01%). This variant has not been reported in the literature in individuals affected with RPGRIP1L-related conditions. Advanced modeling of protein sequence and biophysical properties (such as structural, functional, and spatial information, amino acid conservation, physicochemical variation, residue mobility, and thermodynamic stability) performed at Invitae indicates that this missense variant is not expected to disrupt RPGRIP1L protein function. In summary, the available evidence is currently insufficient to determine the role of this variant in disease. Therefore, it has been classified as a Variant of Uncertain Significance.

PreventionGenetics, part of Exact Sciences
Classification: Uncertain significance for RPGRIP1L-related condition. Last evaluated: 2024-05-10. Review status: no assertion criteria provided. Collection method: clinical testing. Allele origin: germline. Not counted in ClinVar's aggregate classification.
Comment: The RPGRIP1L c.2770A>C variant is predicted to result in the amino acid substitution p.Ser924Arg. To our knowledge, this variant has not been reported in the literature. This variant is reported in 0.010% of alleles in individuals of European (Non-Finnish) descent in gnomAD. At this time, the clinical significance of this variant is uncertain due to the absence of conclusive functional and genetic evidence.

NM_015272.5(RPGRIP1L):c.2770A>C (p.Ser924Arg)

Gene: RPGRIP1L (RPGRIP1 like; minus strand). Cytogenetic location: 16q12.2.
Variant type: single nucleotide variant.
Coding change: c.2770A>C on transcript NM_015272.5 (MANE Select); coding-DNA position 2770, A replaced by C.
Protein change: p.Ser924Arg; replaces serine 924 with arginine.
Molecular consequence: missense variant.
Genome position (GRCh38, 1-based): chr16:53,641,389, T>G on the plus strand (A>C on the coding strand, the complement: RPGRIP1L is on the minus strand). VCF-style: chr16-53641389-T-G. GRCh37 (hg19) VCF-style: chr16-53675301-T-G.
Other names: c.2770A>C, p.Ser924Arg (NM_001127897.4, NM_001308334.3, NM_001330538.2); c.2770A>C (NM_015272.4); short protein forms S924R.
Identifiers: ClinVar variation 2147878 (VCV002147878.3), dbSNP rs753399833, ClinGen allele CA8057468.